The following is an entry in ClinVar:

ClinVar aggregate classification (germline): Likely benign (1 of 4 stars; one submission).

Allele frequency attached by ClinVar (database versions not stated): TOPMed below 0.00001; gnomAD 0.00001.
gnomAD v4.1: 1 of 1,584,860 alleles (0.000063%); highest among the groups gnomAD compares: Non-Finnish European, 0.000086%; no homozygotes.

Submission:

CeGaT Center for Human Genetics Tuebingen
Classification: Likely benign. Last evaluated: 2023-01-01. Review status: criteria provided, single submitter. Criteria: CeGaT Center For Human Genetics Tuebingen Variant Classification Criteria Version 2. Collection method: clinical testing. Allele origin: germline. Affected: yes. Observed: 1 variant allele.
Comment: PEAR1: BP4, BP7

NM_001080471.3(PEAR1):c.1215G>A (p.Gln405=)

Gene: PEAR1 (platelet endothelial aggregation receptor 1; plus strand). Cytogenetic location: 1q23.1.
Variant type: single nucleotide variant.
Coding change: c.1215G>A on transcript NM_001080471.3 (MANE Select); coding-DNA position 1215, G replaced by A.
Protein change: p.Gln405=; no amino-acid change (glutamine 405 retained).
Molecular consequence: synonymous variant.
Genome position (GRCh38, 1-based): chr1:156,908,754, G>A. VCF-style: chr1-156908754-G-A. GRCh37 (hg19) VCF-style: chr1-156878546-G-A.
Other names: c.1023G>A, p.Gln341= (NM_001353682.2, NM_001353683.2).
Identifiers: ClinVar variation 2639470 (VCV002639470.24), dbSNP rs1208320777, ClinGen allele CA421272267.